The following is an entry in ClinVar:

ClinVar aggregate classification (germline): Uncertain significance (1 of 4 stars; one submission).

gnomAD v4.1: 1 of 1,614,154 alleles (0.000062%); highest among the groups gnomAD compares: African/African-American, 0.0013%; no homozygotes.

Submission:

Dasa
Classification: Uncertain significance. Last evaluated: 2025-11-05. Review status: criteria provided, single submitter. Criteria: DASA Assertion Criteria. Collection method: clinical testing. Allele origin: germline.
Comment: NM_020754.4(ARHGAP31):c.4180G>A (p.Glu1394Lys) is a missense variant that results in the substitution of glutamic acid with lysine. This variant is rare in population databases. The currently available literature and clinical evidence are not sufficient to establish a definitive association between this variant and the reported condition. Therefore, this variant is classified as a variant of uncertain significance.

NM_020754.4(ARHGAP31):c.4180G>A (p.Glu1394Lys)

Gene: ARHGAP31 (Rho GTPase activating protein 31; plus strand). Cytogenetic location: 3q13.33.
Variant type: single nucleotide variant.
Coding change: c.4180G>A on transcript NM_020754.4 (MANE Select); coding-DNA position 4180, G replaced by A.
Protein change: p.Glu1394Lys; replaces glutamic acid 1394 with lysine.
Molecular consequence: missense variant.
Genome position (GRCh38, 1-based): chr3:119,416,109, G>A. VCF-style: chr3-119416109-G-A. GRCh37 (hg19) VCF-style: chr3-119134956-G-A.
Other names: short protein forms E1394K.
Identifiers: ClinVar variation 4882128 (VCV004882128.2).
Genomic context (GRCh38, chr3:119,416,109, plus strand): 5'-TCCCCTATCAGAAGTCCCACCCAGACAGTTTCCCCTGGCCTTCTTTGTGGAGAGTTGGCA[G>A]AAAACACATGGGTCACACCAGAAGGGGTTACACTTAGGAATAAAATGACCATCCCTAAGA-3'
Protein context (NP_065805.2, residues 1384-1404): SPGLLCGELA[Glu1394Lys]NTWVTPEGVT